The following is an entry in ClinVar:

ClinVar aggregate classification (germline): Uncertain significance (1 of 4 stars; one submission).

Conditions:
Cardiovascular phenotype. Identifiers: MedGen CN230736.

Allele frequency attached by ClinVar (database versions not stated): TOPMed 0.00002; gnomAD 0.00003; 1000 Genomes Project 0.00020; gnomAD exomes below 0.00001; 1000 Genomes Project 30x 0.00016.
gnomAD v4.1: 6 of 1,585,624 alleles (0.00038%); highest among the groups gnomAD compares: African/African-American, 0.0054%; no homozygotes.

Submission:

Ambry Genetics
Classification: Uncertain significance for Cardiovascular phenotype. Last evaluated: 2025-08-24. Review status: criteria provided, single submitter. Criteria: Ambry Variant Classification Scheme 2023. Collection method: clinical testing. Allele origin: germline.
Comment: The p.R4Q variant (also known as c.11G>A), located in coding exon 1 of the EPHB4 gene, results from a G to A substitution at nucleotide position 11. The arginine at codon 4 is replaced by glutamine, an amino acid with highly similar properties. This amino acid position is conserved. In addition, this alteration is predicted to be tolerated by in silico analysis. Since supporting evidence is limited at this time, the clinical significance of this alteration remains unclear.

NM_004444.5(EPHB4):c.11G>A (p.Arg4Gln)

Genes: EPHB4 (EPH receptor B4; minus strand), SLC12A9 (solute carrier family 12 member 9; plus strand). Cytogenetic location: 7q22.1.
Variant type: single nucleotide variant.
Coding change: c.11G>A on transcript NM_004444.5 (MANE Select); coding-DNA position 11, G replaced by A.
Protein change: p.Arg4Gln; replaces arginine 4 with glutamine.
Molecular consequence: missense variant. On other transcripts: 5 prime UTR variant (1).
Genome position (GRCh38, 1-based): chr7:100,827,020, C>T on the plus strand (G>A on the coding strand, the complement: EPHB4 is on the minus strand). VCF-style: chr7-100827020-C-T. GRCh37 (hg19) VCF-style: chr7-100424642-C-T.
Other names: c.-9C>T (NM_001363494.1); short protein forms R4Q.
Identifiers: ClinVar variation 1747132 (VCV001747132.3), dbSNP rs531830000, ClinGen allele CA163292678.